The following is an entry in ClinVar:

ClinVar aggregate classification (germline): Uncertain significance (1 of 4 stars; one submission).

Conditions:
Werner syndrome (WRN). Identifiers: Orphanet 902, MedGen C0043119, MONDO:0010196, OMIM 277700.

Submission:

Labcorp Genetics (formerly Invitae), Labcorp
Classification: Uncertain significance for Werner syndrome. Last evaluated: 2021-11-05. Review status: criteria provided, single submitter. Criteria: Invitae Variant Classification Sherloc (09022015). Collection method: clinical testing. Allele origin: germline.
Comment: In summary, the available evidence is currently insufficient to determine the role of this variant in disease. Therefore, it has been classified as a Variant of Uncertain Significance. Algorithms developed to predict the effect of missense changes on protein structure and function output the following: SIFT: "Not Available"; PolyPhen-2: "Benign"; Align-GVGD: "Not Available". The valine amino acid residue is found in multiple mammalian species, which suggests that this missense change does not adversely affect protein function. This variant has not been reported in the literature in individuals affected with WRN-related conditions. This variant is not present in population databases (gnomAD no frequency). This sequence change replaces leucine, which is neutral and non-polar, with valine, which is neutral and non-polar, at codon 315 of the WRN protein (p.Leu315Val).

NM_000553.6(WRN):c.943T>G (p.Leu315Val)

Gene: WRN (WRN RecQ like helicase; plus strand). Cytogenetic location: 8p12.
Variant type: single nucleotide variant.
Coding change: c.943T>G on transcript NM_000553.6 (MANE Select); coding-DNA position 943, T replaced by G.
Protein change: p.Leu315Val; replaces leucine 315 with valine.
Molecular consequence: missense variant.
Genome position (GRCh38, 1-based): chr8:31,080,970, T>G. VCF-style: chr8-31080970-T-G. GRCh37 (hg19) VCF-style: chr8-30938486-T-G.
Other names: short protein forms L315V.
Identifiers: ClinVar variation 1350765 (VCV001350765.6), dbSNP rs2130118136, ClinGen allele CA370919982.